The following is an entry in ClinVar:

NC_000017.11:g.36260264C>G

Genes: TBC1D3B (TBC1 domain family member 3B; minus strand), TBC1D3I (TBC1 domain family member 3I; minus strand). Cytogenetic location: 17q12.
Variant type: single nucleotide variant.
Molecular consequence: missense variant (on NM_001291463.2).
Genome position: GRCh38 VCF-style: chr17-36260264-C-G. GRCh37 (hg19) VCF-style: chr17-34587732-C-G.
Other names: c.352G>C, p.Glu118Gln (NM_001291463.2); short protein forms E118Q.
Identifiers: ClinVar variation 3026038 (VCV003026038.19), dbSNP rs1164608695, ClinGen allele CA2257891029.
Genomic context (GRCh38, chr17:36,260,264, plus strand): 5'-TTTGTTGTGCTCTGGCTGAGCGTACCTGGTATCTTCCGGGGTTTTTCATCTTCATTTCCT[C>G]AGTGTTCAGGAGGACTGACCACATCGGGCCCCGGATGTTCATGGGCATTCCCTTGTACGC-3'

ClinVar aggregate classification (germline): Likely benign (1 of 4 stars; one submission).

Submission:

CeGaT Center for Human Genetics Tuebingen
Classification: Likely benign. Last evaluated: 2024-07-01. Review status: criteria provided, single submitter. Criteria: CeGaT Center For Human Genetics Tuebingen Variant Classification Criteria Version 2. Collection method: clinical testing. Allele origin: germline. Affected: yes. Observed: 1 variant allele.
Comment: TBC1D3C: BS2; TBC1D3B: BS2